The following is an entry in ClinVar:

NM_000969.5(RPL5):c.626G>T (p.Arg209Leu)

Genes: DIPK1A (divergent protein kinase domain 1A; minus strand), RPL5 (ribosomal protein L5; plus strand). Cytogenetic location: 1p22.1.
Variant type: single nucleotide variant.
Coding change: c.626G>T on transcript NM_000969.5 (MANE Select); coding-DNA position 626, G replaced by T.
Protein change: p.Arg209Leu; replaces arginine 209 with leucine.
Molecular consequence: missense variant. On other transcripts: non-coding transcript variant (1), intron variant (1).
Genome position (GRCh38, 1-based): chr1:92,837,554, G>T. VCF-style: chr1-92837554-G-T. GRCh37 (hg19) VCF-style: chr1-93303111-G-T.
Other names: c.475-4520C>A (NM_001252273.2); short protein forms R209L.
Identifiers: ClinVar variation 2725094 (VCV002725094.3), dbSNP rs775560628, ClinGen allele CA341242984.

ClinVar aggregate classification (germline): Uncertain significance (1 of 4 stars; one submission).

Conditions:
Diamond-Blackfan anemia. Also called: Blackfan Diamond syndrome; Aregenerative anemia chronic congenital; Red cell aplasia, pure hereditary; Congenital hypoplastic anemia; Aase syndrome. Identifiers: Orphanet 124, MedGen C1260899, MeSH D029503, MONDO:0015253, HP:0004810.

gnomAD v4.1: 2 of 1,611,962 alleles (0.00012%); highest among the groups gnomAD compares: Non-Finnish European, 0.00017%; no homozygotes.

Submission:

Labcorp Genetics (formerly Invitae), Labcorp
Classification: Uncertain significance for Diamond-Blackfan anemia. Last evaluated: 2023-03-01. Review status: criteria provided, single submitter. Criteria: Invitae Variant Classification Sherloc (09022015). Collection method: clinical testing. Allele origin: germline.
Comment: This variant is not present in population databases (gnomAD no frequency). This sequence change replaces arginine, which is basic and polar, with leucine, which is neutral and non-polar, at codon 209 of the RPL5 protein (p.Arg209Leu). This variant has not been reported in the literature in individuals affected with RPL5-related conditions. Advanced modeling of protein sequence and biophysical properties (such as structural, functional, and spatial information, amino acid conservation, physicochemical variation, residue mobility, and thermodynamic stability) performed at Invitae indicates that this missense variant is not expected to disrupt RPL5 protein function. In summary, the available evidence is currently insufficient to determine the role of this variant in disease. Therefore, it has been classified as a Variant of Uncertain Significance.